The following is an entry in ClinVar:

NM_001349338.3(FOXP1):c.855T>G (p.Thr285=)

Gene: FOXP1 (forkhead box P1; minus strand). Cytogenetic location: 3p13.
Variant type: single nucleotide variant.
Coding change: c.855T>G on transcript NM_001349338.3 (MANE Select); coding-DNA position 855, T replaced by G.
Protein change: p.Thr285=; no amino-acid change (threonine 285 retained).
Molecular consequence: synonymous variant. On other transcripts: non-coding transcript variant (2).
Genome position (GRCh38, 1-based): chr3:71,041,342, A>C on the plus strand (T>G on the coding strand, the complement: FOXP1 is on the minus strand). VCF-style: chr3-71041342-A-C. GRCh37 (hg19) VCF-style: chr3-71090493-A-C.
Other names: c.855T>G, p.Thr285= (NM_001244808.3, NM_001244810.2, NM_001244814.3 and 3 more transcripts); c.627T>G, p.Thr209= (NM_001244812.3); c.555T>G, p.Thr185= (NM_001244813.3, NM_001244815.2, NM_001349342.3 and 1 more transcripts); c.552T>G, p.Thr184= (NM_001349337.2, NM_001349343.3, NM_001349344.3); c.852T>G, p.Thr284= (NM_001349341.3).
Identifiers: ClinVar variation 435245 (VCV000435245.14), dbSNP rs141007926, ClinGen allele CA2491165.
Genomic context (GRCh38, chr3:71,041,342, plus strand): 5'-TCATGTTAAAGGCAGTTTTGGACCCATCTCAGTGGCTGGTTCCTACCTTTCCCTTTTGGG[A>C]GTGTGGACTGAGAGCTGTCCATTGGTAGAGGCATGTGGGTTCATTATTAAGGAGGTCTTG-3'
Protein context (NP_001336267.1, residues 275-295): ASTNGQLSVH[Thr285=]PKRESLSHEE

ClinVar aggregate classification (germline): Benign/Likely benign. Review status: criteria provided, multiple submitters, no conflicts (2 of 4 stars). 4 submissions from 4 submitters: Benign (1); Likely benign (2). 1 of the submissions does not count toward it. Last evaluated 2025-12-21.

Conditions:
FOXP1-related disorder. Also called: FOXP1-related condition.

Allele frequency attached by ClinVar (database versions not stated): ESP Exome Variant Server 0.00015; gnomAD 0.00025 and 0.00029; TOPMed 0.00026; gnomAD exomes 0.00002 and 0.00004; ExAC 0.00003.
gnomAD v4.1: 75 of 1,613,116 alleles (0.0046%); highest among the groups gnomAD compares: African/African-American, 0.094%; no homozygotes.

Submissions (4):

Labcorp Genetics (formerly Invitae), Labcorp
Classification: Benign. Last evaluated: 2025-12-21. Review status: criteria provided, single submitter. Criteria: Invitae Variant Classification Sherloc (09022015). Collection method: clinical testing. Allele origin: germline.

GeneDx
Classification: Likely benign. Last evaluated: 2020-02-28. Review status: criteria provided, single submitter. Criteria: GeneDx Variant Classification Process June 2021. Collection method: clinical testing. Allele origin: germline. Affected: yes.

Genetic Services Laboratory, University of Chicago
Classification: Likely benign. Last evaluated: 2016-12-30. Review status: criteria provided, single submitter. Criteria: ACMG Guidelines, 2015. Collection method: clinical testing. Allele origin: germline. Affected: no.

PreventionGenetics, part of Exact Sciences
Classification: Likely benign for FOXP1-related condition. Last evaluated: 2023-06-05. Review status: no assertion criteria provided. Collection method: clinical testing. Allele origin: germline. Not counted in ClinVar's aggregate classification.
Comment: This variant is classified as likely benign based on ACMG/AMP sequence variant interpretation guidelines (Richards et al. 2015 PMID: 25741868, with internal and published modifications).